The following is an entry in ClinVar:

NM_170784.3(MKKS):c.1133_1134del (p.Arg378fs)

Gene: MKKS (MKKS centrosomal shuttling protein; minus strand). Cytogenetic location: 20p12.2.
Variant type: Deletion.
Coding change: c.1133_1134del on transcript NM_170784.3 (MANE Select); coding-DNA positions 1133 to 1134, 2 bases deleted (GA; older notation c.1133_1134delGA).
Protein change: p.Arg378fs; shifts the reading frame from arginine 378.
Molecular consequence: frameshift variant. On other transcripts: non-coding transcript variant (1).
Genome position (GRCh38, 1-based): chr20:10,408,655-10,408,656, TC deleted on the plus strand (GA on the coding strand, the reverse complement: MKKS is on the minus strand); deleting any 2 consecutive bases within chr20:10,408,655-10,408,657 gives the same sequence; the c. name uses the placement nearest the transcript's 3' end. VCF-style (leftmost placement, unchanged base first): chr20-10408654-TTC-T. GRCh37 (hg19) VCF-style: chr20-10389302-TTC-T.
Other names: c.1133_1134del, p.Arg378fs (NM_018848.3); c.1133_1134delGA (NM_018848.3); short protein forms R378fs.
Identifiers: ClinVar variation 3346670 (VCV003346670.1).

ClinVar aggregate classification (germline): Likely pathogenic (0 of 4 stars; one submission).

Conditions:
MKKS-related disorder. Also called: MKKS-related condition; MKKS-related disorders.

Submission:

PreventionGenetics, part of Exact Sciences
Classification: Likely pathogenic for MKKS-related condition. Last evaluated: 2024-05-02. Review status: no assertion criteria provided. Collection method: clinical testing. Allele origin: germline.
Comment: The MKKS c.1133_1134delGA variant is predicted to result in a frameshift and premature protein termination (p.Arg378Lysfs*2). To our knowledge, this variant has not been reported in the literature or in a large population database, indicating this variant is rare. Frameshift variants in MKKS are expected to be pathogenic. This variant is interpreted as likely pathogenic.